The following is an entry in ClinVar:

ClinVar aggregate classification (germline): Conflicting classifications of pathogenicity. Review status: criteria provided, conflicting classifications (1 of 4 stars). 2 submissions from 2 submitters: Uncertain significance (1); Likely benign (1). Last evaluated 2025-10-30.

Allele frequency attached by ClinVar (database versions not stated): 1000 Genomes Project 0.00100; TOPMed 0.00108; 1000 Genomes Project 30x 0.00109; gnomAD 0.00120; ExAC 0.00122; ESP Exome Variant Server 0.00123; gnomAD exomes 0.00179.
gnomAD v4.1: 2,764 of 1,614,152 alleles (0.17%); highest among the groups gnomAD compares: Non-Finnish European, 0.2%; 6 homozygotes.

Submissions (2):

Ambry Genetics
Classification: Uncertain significance. Last evaluated: 2025-10-30. Review status: criteria provided, single submitter. Criteria: Ambry Variant Classification Scheme 2023. Collection method: clinical testing. Allele origin: germline.

CeGaT Center for Human Genetics Tuebingen
Classification: Likely benign. Last evaluated: 2022-11-01. Review status: criteria provided, single submitter. Criteria: CeGaT Center For Human Genetics Tuebingen Variant Classification Criteria Version 2. Collection method: clinical testing. Allele origin: germline. Affected: yes. Observed: 1 variant allele.
Comment: ITIH1: BP4, BS2

NM_002215.4(ITIH1):c.2642A>G (p.His881Arg)

Gene: ITIH1 (inter-alpha-trypsin inhibitor heavy chain 1; plus strand). Cytogenetic location: 3p21.1.
Variant type: single nucleotide variant.
Coding change: c.2642A>G on transcript NM_002215.4 (MANE Select); coding-DNA position 2642, A replaced by G.
Protein change: p.His881Arg; replaces histidine 881 with arginine.
Molecular consequence: missense variant.
Genome position (GRCh38, 1-based): chr3:52,791,817, A>G. VCF-style: chr3-52791817-A-G. GRCh37 (hg19) VCF-style: chr3-52825833-A-G.
Other names: c.2216A>G, p.His739Arg (NM_001166434.3); c.1778A>G, p.His593Arg (NM_001166435.2, NM_001166436.2); short protein forms H593R, H881R, H739R.
Identifiers: ClinVar variation 2352592 (VCV002352592.26), dbSNP rs139822553, ClinGen allele CA2447779.